The following is an entry in ClinVar:

ClinVar aggregate classification (germline): Likely benign (1 of 4 stars; one submission).

Submission:

CeGaT Center for Human Genetics Tuebingen
Classification: Likely benign. Last evaluated: 2026-10-01. Review status: criteria provided, single submitter. Criteria: CeGaT Center For Human Genetics Tuebingen Variant Classification Criteria Version 2. Collection method: clinical testing. Allele origin: germline. Affected: yes. Observed: 4 variant alleles.
Comment: PDGFRB: PM2:Supporting, BP4, BP7

NM_002609.4(PDGFRB):c.1692C>T (p.Ile564=)

Gene: PDGFRB (platelet derived growth factor receptor beta; minus strand). Cytogenetic location: 5q32.
Variant type: single nucleotide variant.
Coding change: c.1692C>T on transcript NM_002609.4 (MANE Select); coding-DNA position 1692, C replaced by T.
Protein change: p.Ile564=; no amino-acid change (isoleucine 564 retained).
Molecular consequence: synonymous variant.
Genome position (GRCh38, 1-based): chr5:150,125,560, G>A on the plus strand (C>T on the coding strand, the complement: PDGFRB is on the minus strand). VCF-style: chr5-150125560-G-A. GRCh37 (hg19) VCF-style: chr5-149505123-G-A.
Other names: c.1500C>T, p.Ile500= (NM_001355016.2); c.1209C>T, p.Ile403= (NM_001355017.2).
Identifiers: ClinVar variation 4874306 (VCV004874306.2).